The following is an entry in ClinVar:

NM_024642.5(GALNT12):c.641T>C (p.Leu214Pro)

Gene: GALNT12 (polypeptide N-acetylgalactosaminyltransferase 12; plus strand). Cytogenetic location: 9q22.33.
Variant type: single nucleotide variant.
Coding change: c.641T>C on transcript NM_024642.5 (MANE Select); coding-DNA position 641, T replaced by C.
Protein change: p.Leu214Pro; replaces leucine 214 with proline.
Molecular consequence: missense variant.
Genome position (GRCh38, 1-based): chr9:98,826,851, T>C. VCF-style: chr9-98826851-T-C. GRCh37 (hg19) VCF-style: chr9-101589133-T-C.
Other names: short protein forms L214P.
Identifiers: ClinVar variation 2451757 (VCV002451757.2), dbSNP rs2490501984, ClinGen allele CA374217570.
Genomic context (GRCh38, chr9:98,826,851, plus strand): 5'-TGCCCAAGGTGCGCCTGATCCGCGCCAACAAGAGAGAGGGCCTGGTGCGAGCCCGGCTGC[T>C]GGGGGCGTCTGCGGCGAGGGGCGATGTTCTGACCTTCCTGGACTGTCACTGTGAGTGCCA-3'
Protein context (NP_078918.3, residues 204-224): KREGLVRARL[Leu214Pro]GASAARGDVL

ClinVar aggregate classification (germline): Uncertain significance (1 of 4 stars; one submission).

Submission:

Ambry Genetics
Classification: Uncertain significance. Last evaluated: 2022-11-04. Review status: criteria provided, single submitter. Criteria: Ambry Variant Classification Scheme 2023. Collection method: clinical testing. Allele origin: germline.
Comment: The p.L214P variant (also known as c.641T>C), located in coding exon 3 of the GALNT12 gene, results from a T to C substitution at nucleotide position 641. The leucine at codon 214 is replaced by proline, an amino acid with similar properties. This amino acid position is conserved. In addition, this alteration is predicted to be deleterious by in silico analysis. Since supporting evidence is limited at this time, the clinical significance of this alteration remains unclear.